The following is an entry in ClinVar:

NM_005422.4(TECTA):c.1291A>T (p.Thr431Ser)

Genes: TBCEL-TECTA (TBCEL-TECTA readthrough; plus strand), TECTA (tectorin alpha; plus strand). Cytogenetic location: 11q23.3.
Variant type: single nucleotide variant.
Coding change: c.1291A>T on transcript NM_005422.4 (MANE Select); coding-DNA position 1291, A replaced by T.
Protein change: p.Thr431Ser; replaces threonine 431 with serine.
Molecular consequence: missense variant.
Genome position (GRCh38, 1-based): chr11:121,125,389, A>T. VCF-style: chr11-121125389-A-T. GRCh37 (hg19) VCF-style: chr11-120996098-A-T.
Other names: c.2248A>T, p.Thr750Ser (NM_001378761.1); short protein forms T431S, T750S.
Identifiers: ClinVar variation 177979 (VCV000177979.23), dbSNP rs138843691, ClinGen allele CA181112.

ClinVar aggregate classification (germline): Conflicting classifications of pathogenicity. Review status: criteria provided, conflicting classifications (1 of 4 stars). 8 submissions from 7 submitters: Uncertain significance (6); Likely benign (2). Last evaluated 2025-09-08.

Conditions:
Inborn genetic diseases. Identifiers: MedGen C0950123, MeSH D030342.
Autosomal recessive nonsyndromic hearing loss 21. Identifiers: Orphanet 90636, MedGen C1863655, MONDO:0011351, OMIM 603629.
Autosomal dominant nonsyndromic hearing loss 12. Also called: DEAFNESS, AUTOSOMAL DOMINANT 8. Identifiers: Orphanet 90635, MedGen C1832187, MONDO:0011102, OMIM 601543.

Allele frequency attached by ClinVar (database versions not stated): gnomAD exomes 0.00030 and 0.00061; gnomAD 0.00032 and 0.00033; ExAC 0.00034; TOPMed 0.00039; ESP Exome Variant Server 0.00062.
gnomAD v4.1: 923 of 1,614,080 alleles (0.057%); highest among the groups gnomAD compares: Non-Finnish European, 0.075%; no homozygotes.

Submissions (8):

Labcorp Genetics (formerly Invitae), Labcorp
Classification: Likely benign. Last evaluated: 2025-09-08. Review status: criteria provided, single submitter. Criteria: Invitae Variant Classification Sherloc (09022015). Collection method: clinical testing. Allele origin: germline.

GeneDx
Classification: Uncertain significance. Last evaluated: 2025-06-02. Review status: criteria provided, single submitter. Criteria: GeneDx Variant Classification Process June 2021. Collection method: clinical testing. Allele origin: germline. Affected: yes.
Comment: In silico analysis supports that this missense variant has a deleterious effect on protein structure/function; Has not been previously published as pathogenic or benign to our knowledge; This variant is associated with the following publications: (PMID: 21520338, 31554319, 9590290)

Blueprint Genetics
Classification: Uncertain significance. Last evaluated: 2024-11-21. Review status: criteria provided, single submitter. Criteria: ACMG Guidelines, 2015. Collection method: clinical testing. Allele origin: germline.

Ambry Genetics
Classification: Uncertain significance for Inborn genetic diseases. Last evaluated: 2024-03-19. Review status: criteria provided, single submitter. Criteria: Ambry Variant Classification Scheme 2023. Collection method: clinical testing. Allele origin: germline.

Women's Health and Genetics/Laboratory Corporation of America, LabCorp
Classification: Uncertain significance. Last evaluated: 2023-05-23. Review status: criteria provided, single submitter. Criteria: LabCorp Variant Classification Summary - May 2015. Collection method: clinical testing. Allele origin: germline.
Comment: Variant summary: TECTA c.1291A>T (p.Thr431Ser) results in a conservative amino acid change located in the von Willebrand factor, type D domain (IPR001846) of the encoded protein sequence. Three of five in-silico tools predict a benign effect of the variant on protein function. The variant allele was found at a frequency of 0.00031 in 282872 control chromosomes (gnomAD), predominantly at a frequency of 0.00061 within the Non-Finnish European subpopulation in the gnomAD database. To our knowledge, no occurrence of c.1291A>T in individuals affected with Deafness, Autosomal Recessive 21 and no experimental evidence demonstrating its impact on protein function have been reported. Five ClinVar submitters have assessed the variant since 2014: four classified the variant as uncertain significance and one as likely benign. Based on the evidence outlined above, the variant was classified as uncertain significance.

Illumina Laboratory Services, Illumina
Classification: Uncertain significance for Autosomal recessive nonsyndromic hearing loss 21. Last evaluated: 2018-01-13. Review status: criteria provided, single submitter. Criteria: ICSL Variant Classification Criteria 13 December 2019. Collection method: clinical testing. Allele origin: germline.

Illumina Laboratory Services, Illumina
Classification: Likely benign for Autosomal dominant nonsyndromic hearing loss 12. Last evaluated: 2018-01-13. Review status: criteria provided, single submitter. Criteria: ICSL Variant Classification Criteria 13 December 2019. Collection method: clinical testing. Allele origin: germline.
Comment: This variant was observed in the ICSL laboratory as part of a predisposition screen in an ostensibly healthy population. It had not been previously curated by ICSL or reported in the Human Gene Mutation Database (HGMD: prior to June 1st, 2018), and was therefore a candidate for classification through an automated scoring system. Utilizing variant allele frequency, disease prevalence and penetrance estimates, and inheritance mode, an automated score was calculated to assess if this variant is too frequent to cause the disease. Based on the score and internal cut-off values, a variant classified as likely benign is not then subjected to further curation. The score for this variant resulted in a classification of likely benign for this disease.

Laboratory for Molecular Medicine, Mass General Brigham Personalized Medicine
Classification: Uncertain significance. Last evaluated: 2013-09-04. Review status: criteria provided, single submitter. Criteria: LMM Criteria. Collection method: clinical testing. Allele origin: germline. Observed: 1 variant allele.
Comment: The Thr431Ser variant in TECTA has not been reported in individuals with hearing loss, but has been identified in 0.08% (7/8598) of European American chromosome s and 0.02% (1/4406) of African American chromosomes by the NHLBI Exome Sequenci ng Project (dbSNP rs138843691). Computational analyses (biochemical amino acid properties, conservation, AlignGVGD, and PolyP hen2) suggest that the variant may not impact the protein, though this informati on is insufficient to rule out pathogenicity. In summary, additional information is needed to fully assess the clinical significance of the Thr431Ser variant.